The following is an entry in ClinVar:

NM_000271.5(NPC1):c.194G>T (p.Gly65Val)

Gene: NPC1 (NPC intracellular cholesterol transporter 1; minus strand). Cytogenetic location: 18q11.2.
Variant type: single nucleotide variant.
Coding change: c.194G>T on transcript NM_000271.5 (MANE Select); coding-DNA position 194, G replaced by T.
Protein change: p.Gly65Val; replaces glycine 65 with valine.
Molecular consequence: missense variant.
Genome position (GRCh38, 1-based): chr18:23,572,167, C>A on the plus strand (G>T on the coding strand, the complement: NPC1 is on the minus strand). VCF-style: chr18-23572167-C-A. GRCh37 (hg19) VCF-style: chr18-21152131-C-A.
Other names: short protein forms G65V.
Identifiers: ClinVar variation 4086274 (VCV004086274.2).
Genomic context (GRCh38, chr18:23,572,167, plus strand): 5'-TCTTTTAGTGTCTGAAGCTGCCGAACATCACAACAGAGACTGACATTGCCAAAGAAGAAT[C>A]CTGGACAGAGTTCCTTTCAGGTGAAAGAGCACAGACACGGGAGTAGGCAACAGTTAGAGT-3'
Protein context (NP_000262.2, residues 55-75): GYDLVQELCP[Gly65Val]FFFGNVSLCC

ClinVar aggregate classification (germline): Uncertain significance (1 of 4 stars; one submission).

gnomAD v4.1: 21 of 1,612,864 alleles (0.0013%); highest among the groups gnomAD compares: Non-Finnish European, 0.0016%; no homozygotes.

Submission:

GeneDx
Classification: Uncertain significance. Last evaluated: 2025-09-26. Review status: criteria provided, single submitter. Criteria: GeneDx Variant Classification Process June 2021. Collection method: clinical testing. Allele origin: germline.
Comment: Not observed at significant frequency in large population cohorts (gnomAD); In silico analysis supports that this missense variant has a deleterious effect on protein structure/function; Has not been previously published as pathogenic or benign to our knowledge